The following is an entry in ClinVar:

NM_005445.4(SMC3):c.3481A>G (p.Ile1161Val)

Gene: SMC3 (structural maintenance of chromosomes 3; plus strand). Cytogenetic location: 10q25.2.
Variant type: single nucleotide variant.
Coding change: c.3481A>G on transcript NM_005445.4 (MANE Select); coding-DNA position 3481, A replaced by G.
Protein change: p.Ile1161Val; replaces isoleucine 1161 with valine.
Molecular consequence: missense variant.
Genome position (GRCh38, 1-based): chr10:110,603,189, A>G. VCF-style: chr10-110603189-A-G. GRCh37 (hg19) VCF-style: chr10-112362947-A-G.
Other names: short protein forms I1161V.
Identifiers: ClinVar variation 3364330 (VCV003364330.1).

ClinVar aggregate classification (germline): Uncertain significance (1 of 4 stars; one submission).

Submission:

GeneDx
Classification: Uncertain significance. Last evaluated: 2023-11-15. Review status: criteria provided, single submitter. Criteria: GeneDx Variant Classification Process June 2021. Collection method: clinical testing. Allele origin: germline. Affected: yes.
Comment: Not observed at significant frequency in large population cohorts (gnomAD); In silico analysis supports that this missense variant does not alter protein structure/function; Has not been previously published as pathogenic or benign to our knowledge